The following is an entry in ClinVar:

NM_177438.3(DICER1):c.948G>A (p.Trp316Ter)

Gene: DICER1 (dicer 1, ribonuclease III; minus strand). Cytogenetic location: 14q32.13.
Variant type: single nucleotide variant.
Coding change: c.948G>A on transcript NM_177438.3 (MANE Select); coding-DNA position 948, G replaced by A.
Protein change: p.Trp316Ter; replaces tryptophan 316 with a stop codon.
Molecular consequence: nonsense.
Genome position (GRCh38, 1-based): chr14:95,124,624, C>T on the plus strand (G>A on the coding strand, the complement: DICER1 is on the minus strand). VCF-style: chr14-95124624-C-T. GRCh37 (hg19) VCF-style: chr14-95590961-C-T.
Other names: c.948G>A, p.Trp316Ter (NM_001195573.1, NM_001271282.3, NM_001291628.2 and 1 more transcripts); short protein forms W316*.
Identifiers: ClinVar variation 1068739 (VCV001068739.12), dbSNP rs2140208028, ClinGen allele CA390887314.

ClinVar aggregate classification (germline): Pathogenic. Review status: criteria provided, multiple submitters, no conflicts (2 of 4 stars). 2 submissions from 2 submitters: Pathogenic (2). Last evaluated 2025-10-01.

Conditions:
DICER1-related tumor predisposition. Also called: DICER1-related pleuropulmonary blastoma cancer predisposition syndrome; DICER1 syndrome. Identifiers: Orphanet 284343, MedGen C3839822, MONDO:0100216.
Hereditary cancer-predisposing syndrome. Also called: Tumor predisposition; Neoplastic Syndromes, Hereditary; Hereditary neoplastic syndrome; Hereditary Cancer Syndrome. Identifiers: Orphanet 140162, MedGen C0027672, MeSH D009386, MONDO:0015356.

Submissions (2):

Labcorp Genetics (formerly Invitae), Labcorp
Classification: Pathogenic for DICER1-related tumor predisposition. Last evaluated: 2025-10-01. Review status: criteria provided, single submitter. Criteria: Invitae Variant Classification Sherloc (09022015). Collection method: clinical testing. Allele origin: germline.
Comment: This sequence change creates a premature translational stop signal (p.Trp316*) in the DICER1 gene. It is expected to result in an absent or disrupted protein product. Loss-of-function variants in DICER1 are known to be pathogenic (PMID: 19556464, 21266384). This variant is not present in population databases (gnomAD no frequency). This variant has not been reported in the literature in individuals affected with DICER1-related conditions. ClinVar contains an entry for this variant (Variation ID: 1068739). For these reasons, this variant has been classified as Pathogenic.

Ambry Genetics
Classification: Pathogenic for Hereditary cancer-predisposing syndrome. Last evaluated: 2021-09-02. Review status: criteria provided, single submitter. Criteria: Ambry Variant Classification Scheme 2023. Collection method: clinical testing. Allele origin: germline.
Comment: The p.W316* variant (also known as c.948G>A), located in coding exon 7 of the DICER1 gene, results from a G to A substitution at nucleotide position 948. This changes the amino acid from a tryptophan to a stop codon within coding exon 7. This variant is considered to be rare based on population cohorts in the Genome Aggregation Database (gnomAD). This alteration is expected to result in loss of function by premature protein truncation or nonsense-mediated mRNA decay. As such, this alteration is interpreted as a disease-causing mutation.

Literature cited by the submitters: PubMed 19556464 (cited by Labcorp Genetics (formerly Invitae), Labcorp); PubMed 21266384 (cited by Labcorp Genetics (formerly Invitae), Labcorp).